The following is an entry in ClinVar:

NM_001378454.1(ALMS1):c.709G>T (p.Glu237Ter)

Gene: ALMS1 (ALMS1 centrosome and basal body associated protein; plus strand). Cytogenetic location: 2p13.1.
Variant type: single nucleotide variant.
Coding change: c.709G>T on transcript NM_001378454.1 (MANE Select); coding-DNA position 709, G replaced by T.
Protein change: p.Glu237Ter; replaces glutamic acid 237 with a stop codon.
Molecular consequence: nonsense.
Genome position (GRCh38, 1-based): chr2:73,422,919, G>T. VCF-style: chr2-73422919-G-T. GRCh37 (hg19) VCF-style: chr2-73650047-G-T.
Other names: c.712G>T, p.Glu238Ter (NM_015120.4); short protein forms E238*, E237*.
Identifiers: ClinVar variation 555777 (VCV000555777.12), dbSNP rs989080548, ClinGen allele CA347260137.

ClinVar aggregate classification (germline): Pathogenic/Likely pathogenic. Review status: criteria provided, multiple submitters, no conflicts (2 of 4 stars). 6 submissions from 6 submitters: Pathogenic (1); Likely pathogenic (4). 1 of the submissions does not count toward it. Last evaluated 2025-10-19.

Conditions:
ALMS1-related disorder. Also called: ALMS1-related condition.
Alstrom syndrome (ALMS). Identifiers: Orphanet 64, MedGen C0268425, MONDO:0008763, OMIM 203800.

Allele frequency attached by ClinVar (database versions not stated): gnomAD 0.00001.
gnomAD v4.1: 7 of 1,613,600 alleles (0.00043%); no homozygotes.

Submissions (6):

Labcorp Genetics (formerly Invitae), Labcorp
Classification: Pathogenic for Alstrom syndrome. Last evaluated: 2025-10-19. Review status: criteria provided, single submitter. Criteria: Invitae Variant Classification Sherloc (09022015). Collection method: clinical testing. Allele origin: germline.
Comment: This sequence change creates a premature translational stop signal (p.Glu238*) in the ALMS1 gene. It is expected to result in an absent or disrupted protein product. Loss-of-function variants in ALMS1 are known to be pathogenic (PMID: 17594715). This variant is not present in population databases (gnomAD no frequency). This variant has not been reported in the literature in individuals affected with ALMS1-related conditions. ClinVar contains an entry for this variant (Variation ID: 555777). Algorithms developed to predict the effect of sequence changes on RNA splicing suggest that this variant may disrupt the consensus splice site. For these reasons, this variant has been classified as Pathogenic.

Fulgent Genetics
Classification: Likely pathogenic for Alstrom syndrome. Last evaluated: 2022-05-10. Review status: criteria provided, single submitter. Criteria: ACMG Guidelines, 2015. Collection method: clinical testing. Allele origin: unknown.

New York Genome Center
Classification: Likely pathogenic for Alstrom syndrome. Last evaluated: 2021-11-05. Review status: criteria provided, single submitter. Criteria: NYGC Assertion Criteria 2020. Collection method: clinical testing. Allele origin: germline. Observed: 1 heterozygote.

Ocular Genomics Institute, Massachusetts Eye and Ear
Classification: Likely pathogenic for Alstrom syndrome. Last evaluated: 2021-04-08. Review status: criteria provided, single submitter. Criteria: ACMG Guidelines, 2015. Collection method: research. Allele origin: germline. Affected: yes.
Comment: Through a review of available evidence we were able to apply the following criteria: PM2, PVS1. Based on this evidence we have classified this variant as Likely Pathogenic.

Blueprint Genetics
Classification: Likely pathogenic for ALMS1-related disorders. Last evaluated: 2019-10-01. Review status: criteria provided, single submitter. Criteria: ACMG Guidelines, 2015. Collection method: clinical testing. Allele origin: germline. Affected: yes. Observed: 2 variant alleles.

Counsyl
Classification: Likely pathogenic for Alstrom syndrome. Last evaluated: 2017-12-21. Review status: no assertion criteria provided. Collection method: clinical testing. Allele origin: unknown. Not counted in ClinVar's aggregate classification.

Literature cited by the submitters: PubMed 17594715 (cited by Labcorp Genetics (formerly Invitae), Labcorp).